The following is an entry in ClinVar:

NM_001352514.2(HLCS):c.331-7157C>T

Gene: HLCS (holocarboxylase synthetase; minus strand). Cytogenetic location: 21q22.13.
Variant type: single nucleotide variant.
Coding change: c.331-7157C>T on transcript NM_001352514.2 (MANE Select); 7157 bases into the intron before coding-DNA position 331, C replaced by T.
Molecular consequence: intron variant. On other transcripts: 5 prime UTR variant (2).
Genome position (GRCh38, 1-based): chr21:36,946,151, G>A on the plus strand (C>T on the coding strand, the complement: HLCS is on the minus strand). VCF-style: chr21-36946151-G-A. GRCh37 (hg19) VCF-style: chr21-38318451-G-A.
Other names: c.-254C>T (NM_000411.8, NM_001242785.2); c.-111-7157C>T (NM_001352517.1, NM_001352515.2, NM_001352516.2 and 1 more transcripts); c.-112+1182C>T (NM_001242784.3).
Identifiers: ClinVar variation 203757 (VCV000203757.5), dbSNP rs149104163, ClinGen allele CA312601.

ClinVar aggregate classification (germline): Benign/Likely benign. Review status: criteria provided, multiple submitters, no conflicts (2 of 4 stars). 2 submissions from 2 submitters: Benign (1); Likely benign (1). Last evaluated 2018-01-13.

Conditions:
Holocarboxylase synthetase deficiency. Also called: MULTIPLE CARBOXYLASE DEFICIENCY, EARLY ONSET. Identifiers: Orphanet 79242, MedGen C0268581, MONDO:0009666, OMIM 253270.

Allele frequency attached by ClinVar (database versions not stated): gnomAD exomes 0.00028; gnomAD 0.00498 and 0.00524; TOPMed 0.00546; 1000 Genomes Project 0.00599; 1000 Genomes Project 30x 0.00640.
gnomAD v4.1: 998 of 976,160 alleles (0.1%); highest among the groups gnomAD compares: African/African-American, 1.5%; 8 homozygotes.

Submissions (2):

Illumina Laboratory Services, Illumina
Classification: Likely benign for Holocarboxylase synthetase deficiency. Last evaluated: 2018-01-13. Review status: criteria provided, single submitter. Criteria: ICSL Variant Classification Criteria 13 December 2019. Collection method: clinical testing. Allele origin: germline.
Comment: This variant was observed in the ICSL laboratory as part of a predisposition screen in an ostensibly healthy population. It had not been previously curated by ICSL or reported in the Human Gene Mutation Database (HGMD: prior to June 1st, 2018), and was therefore a candidate for classification through an automated scoring system. Utilizing variant allele frequency, disease prevalence and penetrance estimates, and inheritance mode, an automated score was calculated to assess if this variant is too frequent to cause the disease. Based on the score and internal cut-off values, a variant classified as likely benign is not then subjected to further curation. The score for this variant resulted in a classification of likely benign for this disease.

GeneDx
Classification: Benign. Last evaluated: 2014-06-09. Review status: criteria provided, single submitter. Criteria: GeneDx Variant Classification (06012015). Collection method: clinical testing. Allele origin: germline. Affected: yes.
Comment: This variant is considered likely benign or benign based on one or more of the following criteria: it is a conservative change, it occurs at a poorly conserved position in the protein, it is predicted to be benign by multiple in silico algorithms, and/or has population frequency not consistent with disease.